The following is an entry in ClinVar:

NM_001323289.2(CDKL5):c.1397G>A (p.Arg466Gln)

Gene: CDKL5 (cyclin dependent kinase like 5; plus strand). Cytogenetic location: Xp22.13.
Variant type: single nucleotide variant.
Coding change: c.1397G>A on transcript NM_001323289.2 (MANE Select); coding-DNA position 1397, G replaced by A.
Protein change: p.Arg466Gln; replaces arginine 466 with glutamine.
Molecular consequence: missense variant.
Genome position (GRCh38, 1-based): chrX:18,604,321, G>A. VCF-style: chrX-18604321-G-A. GRCh37 (hg19) VCF-style: chrX-18622441-G-A.
Other names: c.1397G>A, p.Arg466Gln (NM_001037343.2, NM_003159.3); short protein forms R466Q.
Identifiers: ClinVar variation 1510384 (VCV001510384.6), dbSNP rs748907380, ClinGen allele CA10360383.

ClinVar aggregate classification (germline): Uncertain significance (1 of 4 stars; one submission).

Conditions:
Angelman syndrome-like. Identifiers: MedGen CN128785.
Developmental and epileptic encephalopathy, 2 (DEE2). Also called: INFANTILE SPASM SYNDROME, X-LINKED 2; CDKL5 deficiency disorder. Identifiers: Orphanet 1934, Orphanet 3451, Orphanet 505652, MedGen C4750718, MONDO:0010396, OMIM 300672.

Allele frequency attached by ClinVar (database versions not stated): gnomAD exomes below 0.00001 and 0.00001; TOPMed below 0.00001; ExAC 0.00001; gnomAD 0.00001.
gnomAD v4.1: 5 of 1,208,697 alleles (0.00041%); highest among the groups gnomAD compares: Non-Finnish European, 0.00056%; no homozygotes.

Submission:

Labcorp Genetics (formerly Invitae), Labcorp
Classification: Uncertain significance for Developmental and epileptic encephalopathy, 2; Angelman syndrome-like. Last evaluated: 2025-06-24. Review status: criteria provided, single submitter. Criteria: Invitae Variant Classification Sherloc (09022015). Collection method: clinical testing. Allele origin: germline.
Comment: This sequence change replaces arginine, which is basic and polar, with glutamine, which is neutral and polar, at codon 466 of the CDKL5 protein (p.Arg466Gln). This variant is present in population databases (rs748907380, gnomAD 0.001%). This variant has not been reported in the literature in individuals affected with CDKL5-related conditions. ClinVar contains an entry for this variant (Variation ID: 1510384). Invitae Evidence Modeling of protein sequence and biophysical properties (such as structural, functional, and spatial information, amino acid conservation, physicochemical variation, residue mobility, and thermodynamic stability) has been performed for this missense variant. However, the output from this modeling did not meet the statistical confidence thresholds required to predict the impact of this variant on CDKL5 protein function. In summary, the available evidence is currently insufficient to determine the role of this variant in disease. Therefore, it has been classified as a Variant of Uncertain Significance.